The following is an entry in ClinVar:

NM_001308093.3(GATA4):c.1229G>A (p.Gly410Asp)

Gene: GATA4 (GATA binding protein 4). Cytogenetic location: 8p23.1.
Variant type: single nucleotide variant.
Coding change: c.1229G>A on transcript NM_001308093.3 (MANE Select); coding-DNA position 1229, G replaced by A.
Protein change: p.Gly410Asp; replaces glycine 410 with aspartic acid.
Molecular consequence: missense variant.
Genome position (GRCh38, 1-based): chr8:11,758,372, G>A. VCF-style: chr8-11758372-G-A. GRCh37 (hg19) VCF-style: chr8-11615881-G-A.
Other names: c.1226G>A (NM_002052.3); c.608G>A, p.Gly203Asp (NM_001308094.2, NM_001374273.1); c.482G>A, p.Gly161Asp (NM_001374274.1); c.1226G>A, p.Gly409Asp (NM_002052.5); short protein forms G161D, G203D, G409D, G410D.
Identifiers: ClinVar variation 3721160 (VCV003721160.3).

ClinVar aggregate classification (germline): Uncertain significance. Review status: criteria provided, multiple submitters, no conflicts (2 of 4 stars). 2 submissions from 2 submitters: Uncertain significance (2). Last evaluated 2025-07-14.

Conditions:
Cardiovascular phenotype. Identifiers: MedGen CN230736.
Atrioventricular septal defect 4 (AVSD4). Identifiers: MedGen C3280781, MONDO:0013747, OMIM 614430.

gnomAD v4.1: 4 of 1,614,178 alleles (0.00025%); highest among the groups gnomAD compares: Non-Finnish European, 0.00034%; no homozygotes.

Submissions (2):

Ambry Genetics
Classification: Uncertain significance for Cardiovascular phenotype. Last evaluated: 2025-07-14. Review status: criteria provided, single submitter. Criteria: Ambry Variant Classification Scheme 2023. Collection method: clinical testing. Allele origin: germline.

Labcorp Genetics (formerly Invitae), Labcorp
Classification: Uncertain significance for Atrioventricular septal defect 4. Last evaluated: 2024-09-21. Review status: criteria provided, single submitter. Criteria: Invitae Variant Classification Sherloc (09022015). Collection method: clinical testing. Allele origin: germline.
Comment: This sequence change replaces glycine, which is neutral and non-polar, with aspartic acid, which is acidic and polar, at codon 409 of the GATA4 protein (p.Gly409Asp). This variant is not present in population databases (gnomAD no frequency). This variant has not been reported in the literature in individuals affected with GATA4-related conditions. An algorithm developed to predict the effect of missense changes on protein structure and function (PolyPhen-2) suggests that this variant is likely to be tolerated. In summary, the available evidence is currently insufficient to determine the role of this variant in disease. Therefore, it has been classified as a Variant of Uncertain Significance.